The following is an entry in ClinVar:

ClinVar aggregate classification (germline): Pathogenic (1 of 4 stars; one submission).

Submission:

Labcorp Genetics (formerly Invitae), Labcorp
Classification: Pathogenic. Last evaluated: 2017-05-09. Review status: criteria provided, single submitter. Criteria: Invitae Variant Classification Sherloc (09022015). Collection method: clinical testing. Allele origin: germline.
Comment: This variant is not present in population databases (ExAC no frequency). This variant has not been reported in the literature in individuals with a ALPK3-related disease. Loss-of-function variants in ALPK3 are known to be pathogenic (PMID: 26846950, 27106955, 21441111). For these reasons, this variant has been classified as Pathogenic. This sequence change creates a premature translational stop signal (p.Trp34Glyfs*120) in the ALPK3 gene. It is expected to result in an absent or disrupted protein product.

Literature cited by the submitters: PubMed 26846950; PubMed 27106955; PubMed 21441111.

NC_000015.10:g.84816946del

Gene: ALPK3 (alpha kinase 3; plus strand). Cytogenetic location: 15q25.3.
Variant type: Deletion.
Genome position: GRCh38 VCF-style: chr15-84816943-CT-C. GRCh37 (hg19) VCF-style: chr15-85360174-CT-C.
Identifiers: ClinVar variation 1072103 (VCV001072103.7), dbSNP rs2141541516, ClinGen allele CA2499223117.